The following is an entry in ClinVar:

ClinVar aggregate classification (germline): Uncertain significance. Review status: criteria provided, single submitter (1 of 4 stars). 2 submissions from 2 submitters: Uncertain significance (1). 1 of the submissions does not count toward it. Last evaluated 2022-01-03.

Conditions:
Usher syndrome type 1C. Also called: USHER SYNDROME, TYPE I, ACADIAN VARIETY. Identifiers: Orphanet 231169, Orphanet 886, MedGen C1848604, MONDO:0010171, OMIM 276904.

gnomAD v4.1: 1 of 1,560,980 alleles (0.000064%); highest among the groups gnomAD compares: Non-Finnish European, 0.000087%; no homozygotes.

Submissions (2):

Labcorp Genetics (formerly Invitae), Labcorp
Classification: Uncertain significance. Last evaluated: 2022-01-03. Review status: criteria provided, single submitter. Criteria: Invitae Variant Classification Sherloc (09022015). Collection method: clinical testing. Allele origin: germline.
Comment: This sequence change replaces valine, which is neutral and non-polar, with leucine, which is neutral and non-polar, at codon 172 of the USH1C protein (p.Val172Leu). This variant is not present in population databases (gnomAD no frequency). This variant has not been reported in the literature in individuals affected with USH1C-related conditions. ClinVar contains an entry for this variant (Variation ID: 992084). Algorithms developed to predict the effect of missense changes on protein structure and function are either unavailable or do not agree on the potential impact of this missense change (SIFT: "Deleterious"; PolyPhen-2: "Benign"; Align-GVGD: "Class C0"). In summary, the available evidence is currently insufficient to determine the role of this variant in disease. Therefore, it has been classified as a Variant of Uncertain Significance.

Natera, Inc.
Classification: Uncertain significance for Usher syndrome type 1C. Last evaluated: 2020-04-11. Review status: no assertion criteria provided. Collection method: clinical testing. Allele origin: germline. Not counted in ClinVar's aggregate classification.

NM_153676.4(USH1C):c.514G>T (p.Val172Leu)

Gene: USH1C (USH1 protein network component harmonin; minus strand). Cytogenetic location: 11p15.1.
Variant type: single nucleotide variant.
Coding change: c.514G>T on transcript NM_153676.4 (MANE Select); coding-DNA position 514, G replaced by T.
Protein change: p.Val172Leu; replaces valine 172 with leucine.
Molecular consequence: missense variant. On other transcripts: non-coding transcript variant (1).
Genome position (GRCh38, 1-based): chr11:17,527,023, C>A on the plus strand (G>T on the coding strand, the complement: USH1C is on the minus strand). VCF-style: chr11-17527023-C-A. GRCh37 (hg19) VCF-style: chr11-17548570-C-A.
Other names: c.514G>T, p.Val172Leu (NM_001297764.2, NM_005709.4); short protein forms V172L.
Identifiers: ClinVar variation 992084 (VCV000992084.3), dbSNP rs748703138, ClinGen allele CA379794810.